The following is an entry in ClinVar:

ClinVar aggregate classification (germline): Conflicting classifications of pathogenicity. Review status: criteria provided, conflicting classifications (1 of 4 stars). 2 submissions from 2 submitters: Uncertain significance (1); Likely benign (1). Last evaluated 2026-05-01.

Allele frequency attached by ClinVar (database versions not stated): 1000 Genomes Project 30x 0.00125; 1000 Genomes Project 0.00140; ExAC 0.00159; gnomAD 0.00160; gnomAD exomes 0.00277.
gnomAD v4.1: 4,274 of 1,610,856 alleles (0.27%); highest among the groups gnomAD compares: Middle Eastern, 0.65%; 40 homozygotes.

Submissions (2):

CeGaT Center for Human Genetics Tuebingen
Classification: Likely benign. Last evaluated: 2026-05-01. Review status: criteria provided, single submitter. Criteria: CeGaT Center For Human Genetics Tuebingen Variant Classification Criteria Version 2. Collection method: clinical testing. Allele origin: germline. Affected: yes. Observed: 1 variant allele.
Comment: MUC5B: BP4, BS2

Ambry Genetics
Classification: Uncertain significance. Last evaluated: 2021-07-13. Review status: criteria provided, single submitter. Criteria: Ambry Variant Classification Scheme 2023. Collection method: clinical testing. Allele origin: germline.

NM_002458.3(MUC5B):c.11447C>T (p.Thr3816Met)

Genes: MUC5B (mucin 5B, oligomeric mucus/gel-forming; plus strand), MUC5B-AS1 (MUC5B antisense RNA 1; minus strand). Cytogenetic location: 11p15.5.
Variant type: single nucleotide variant.
Coding change: c.11447C>T on transcript NM_002458.3 (MANE Select); coding-DNA position 11447, C replaced by T.
Protein change: p.Thr3816Met; replaces threonine 3816 with methionine.
Molecular consequence: missense variant.
Genome position (GRCh38, 1-based): chr11:1,248,327, C>T. VCF-style: chr11-1248327-C-T. GRCh37 (hg19) VCF-style: chr11-1269557-C-T.
Other names: short protein forms T3816M.
Identifiers: ClinVar variation 2234594 (VCV002234594.4), dbSNP rs201948297, ClinGen allele CA5807648.
Genomic context (GRCh38, chr11:1,248,327, plus strand): 5'-CCATCCCCTCCTCCTCCCTGGGCACCACCTGGACCCGCCTATCACAGACCACCACACCCA[C>T]GGCCACCATGTCCACAGCCACACCCTCCTCCACTCCAGAGACTGCCCACACCTCCACAGT-3'
Protein context (NP_002449.2, residues 3806-3826): WTRLSQTTTP[Thr3816Met]ATMSTATPSS